The following is an entry in ClinVar:

NM_133372.3(FNIP1):c.1234C>T (p.Arg412Ter)

Gene: FNIP1 (folliculin interacting protein 1; minus strand). Cytogenetic location: 5q31.1.
Variant type: single nucleotide variant.
Coding change: c.1234C>T on transcript NM_133372.3 (MANE Select); coding-DNA position 1234, C replaced by T.
Protein change: p.Arg412Ter; replaces arginine 412 with a stop codon.
Molecular consequence: nonsense.
Genome position (GRCh38, 1-based): chr5:131,679,144, G>A on the plus strand (C>T on the coding strand, the complement: FNIP1 is on the minus strand). VCF-style: chr5-131679144-G-A. GRCh37 (hg19) VCF-style: chr5-131014837-G-A.
Other names: c.1150C>T, p.Arg384Ter (NM_001008738.3); c.1234C>T, p.Arg412Ter (NM_001346113.2); c.1099C>T, p.Arg367Ter (NM_001346114.2); short protein forms R412*, R367*, R384*.
Identifiers: ClinVar variation 3651218 (VCV003651218.2).

ClinVar aggregate classification (germline): Pathogenic (1 of 4 stars; one submission).

gnomAD v4.1: 5 of 1,595,668 alleles (0.00031%); highest among the groups gnomAD compares: East Asian, 0.0022%; no homozygotes.

Submission:

Labcorp Genetics (formerly Invitae), Labcorp
Classification: Pathogenic. Last evaluated: 2024-10-30. Review status: criteria provided, single submitter. Criteria: Invitae Variant Classification Sherloc (09022015). Collection method: clinical testing. Allele origin: germline.
Comment: This sequence change creates a premature translational stop signal (p.Arg412*) in the FNIP1 gene. It is expected to result in an absent or disrupted protein product. Loss-of-function variants in FNIP1 are known to be pathogenic (PMID: 32181500, 32905580). This variant is not present in population databases (gnomAD no frequency). This variant has not been reported in the literature in individuals affected with FNIP1-related conditions. For these reasons, this variant has been classified as Pathogenic.

Literature cited by the submitters: PubMed 32181500; PubMed 32905580.